The following is an entry in ClinVar:

ClinVar aggregate classification (germline): Likely benign. Review status: criteria provided, multiple submitters, no conflicts (2 of 4 stars). 4 submissions from 4 submitters: Likely benign (4). Last evaluated 2026-08-04.

Conditions:
RHO-related disorder. Also called: RHO-related condition.

Allele frequency attached by ClinVar (database versions not stated): ExAC 0.00007.

Submissions (4):

PreventionGenetics, part of Exact Sciences
Classification: Likely benign for RHO-related condition. Last evaluated: 2026-08-04. Review status: criteria provided, single submitter. Criteria: ACMG Guidelines, 2015. Collection method: clinical testing. Allele origin: germline.
Comment: This variant is classified as likely benign based on ACMG/AMP sequence variant interpretation guidelines (Richards et al. 2015 PMID: 25741868, with internal and published modifications).

Labcorp Genetics (formerly Invitae), Labcorp
Classification: Likely benign. Last evaluated: 2025-10-08. Review status: criteria provided, single submitter. Criteria: Invitae Variant Classification Sherloc (09022015). Collection method: clinical testing. Allele origin: germline.

CeGaT Center for Human Genetics Tuebingen
Classification: Likely benign. Last evaluated: 2025-02-01. Review status: criteria provided, single submitter. Criteria: CeGaT Center For Human Genetics Tuebingen Variant Classification Criteria Version 2. Collection method: clinical testing. Allele origin: germline. Affected: yes. Observed: 1 variant allele.
Comment: RHO: BP4

Blueprint Genetics
Classification: Likely benign. Last evaluated: 2021-12-20. Review status: criteria provided, single submitter. Criteria: ACMG Guidelines, 2015. Collection method: clinical testing. Allele origin: germline.

NM_000539.3(RHO):c.1032G>A (p.Gln344=)

Gene: RHO (rhodopsin; plus strand). Cytogenetic location: 3q22.1.
Variant type: single nucleotide variant.
Coding change: c.1032G>A on transcript NM_000539.3 (MANE Select); coding-DNA position 1032, G replaced by A.
Protein change: p.Gln344=; no amino-acid change (glutamine 344 retained).
Molecular consequence: synonymous variant.
Genome position (GRCh38, 1-based): chr3:129,533,703, G>A. VCF-style: chr3-129533703-G-A. GRCh37 (hg19) VCF-style: chr3-129252546-G-A.
Identifiers: ClinVar variation 1562267 (VCV001562267.23), dbSNP rs749753555, ClinGen allele CA2607368.